The following is an entry in ClinVar:

ClinVar aggregate classification (germline): Uncertain significance (1 of 4 stars; one submission).

Submission:

Labcorp Genetics (formerly Invitae), Labcorp
Classification: Uncertain significance. Last evaluated: 2025-07-29. Review status: criteria provided, single submitter. Criteria: Invitae Variant Classification Sherloc (09022015). Collection method: clinical testing. Allele origin: germline.
Comment: This sequence change replaces asparagine, which is neutral and polar, with isoleucine, which is neutral and non-polar, at codon 178 of the SLC20A2 protein (p.Asn178Ile). This variant is not present in population databases (gnomAD no frequency). This variant has not been reported in the literature in individuals affected with SLC20A2-related conditions. ClinVar contains an entry for this variant (Variation ID: 3702435). Invitae Evidence Modeling of protein sequence and biophysical properties (such as structural, functional, and spatial information, amino acid conservation, physicochemical variation, residue mobility, and thermodynamic stability) indicates that this missense variant is not expected to disrupt SLC20A2 protein function with a negative predictive value of 95%. In summary, the available evidence is currently insufficient to determine the role of this variant in disease. Therefore, it has been classified as a Variant of Uncertain Significance.

NM_001257180.2(SLC20A2):c.533A>T (p.Asn178Ile)

Gene: SLC20A2 (solute carrier family 20 member 2; minus strand). Cytogenetic location: 8p11.21.
Variant type: single nucleotide variant.
Coding change: c.533A>T on transcript NM_001257180.2 (MANE Select); coding-DNA position 533, A replaced by T.
Protein change: p.Asn178Ile; replaces asparagine 178 with isoleucine.
Molecular consequence: missense variant.
Genome position (GRCh38, 1-based): chr8:42,459,976, T>A on the plus strand (A>T on the coding strand, the complement: SLC20A2 is on the minus strand). VCF-style: chr8-42459976-T-A. GRCh37 (hg19) VCF-style: chr8-42317494-T-A.
Other names: c.533A>T, p.Asn178Ile (NM_001257181.2, NM_006749.5); short protein forms N178I.
Identifiers: ClinVar variation 3702435 (VCV003702435.2).